The following is an entry in ClinVar:

ClinVar aggregate classification (germline): Pathogenic. Review status: criteria provided, multiple submitters, no conflicts (2 of 4 stars). 6 submissions from 6 submitters: Pathogenic (3). 3 of the submissions do not count toward it. Last evaluated 2023-07-25.

Conditions:
Spinocerebellar ataxia type 11 (SCA11). Identifiers: Orphanet 98767, MedGen C1858351, MONDO:0011464, OMIM 604432.

Submissions (6):

Women's Health and Genetics/Laboratory Corporation of America, LabCorp
Classification: Pathogenic for Spinocerebellar ataxia type 11. Last evaluated: 2023-07-25. Review status: criteria provided, single submitter. Criteria: LabCorp Variant Classification Summary - May 2015. Collection method: clinical testing. Allele origin: germline.
Comment: Variant summary: TTBK2 c.1329dupA (p.Arg444ThrfsX7) results in a premature termination codon, predicted to cause a truncation of the encoded protein or absence of the protein due to nonsense mediated decay, which are commonly known mechanisms for disease. The variant was absent in 249276 control chromosomes (gnomAD). c.1329dupA has been reported in the literature in multiple individuals affected with Spinocerebellar Ataxia (example: Houlden_2007). These data indicate that the variant is very likely to be associated with disease. The following publication has been ascertained in the context of this evaluation (PMID: 18037885). Three submitters have cited clinical-significance assessments for this variant to ClinVar after 2014. All submitters classified the variant as pathogenic. Based on the evidence outlined above, the variant was classified as pathogenic.

Molecular Diagnostics Laboratory, M Health Fairview: University of Minnesota
Classification: Pathogenic for Spinocerebellar ataxia type 11. Last evaluated: 2019-06-06. Review status: criteria provided, single submitter. Criteria: ACMG Guidelines, 2015. Collection method: clinical testing. Allele origin: germline. Affected: yes. Observed: 2 variant alleles.

Genetic Services Laboratory, University of Chicago
Classification: Pathogenic. Last evaluated: 2018-04-23. Review status: criteria provided, single submitter. Criteria: ACMG Guidelines, 2015. Collection method: clinical testing. Allele origin: germline. Affected: yes.

Codex Genetics Limited
Classification: Pathogenic for Spinocerebellar ataxia 11. Last evaluated: 2019-02-28. Review status: no assertion criteria provided. Collection method: provider interpretation. Allele origin: germline. Affected: yes. Not counted in ClinVar's aggregate classification.

OMIM
Classification: Pathogenic for SPINOCEREBELLAR ATAXIA 11. Last evaluated: 2007-12-01. Review status: no assertion criteria provided. Collection method: literature only. Allele origin: germline. Not counted in ClinVar's aggregate classification.

GeneReviews
No classification provided. Condition: Spinocerebellar ataxia type 11. Review status: no classification provided. Collection method: literature only. Allele origin: unknown. Not counted in ClinVar's aggregate classification.

Literature cited by the submitters: PubMed 18037885 (cited by 5 submitters); PubMed 20301723 (cited by Codex Genetics Limited and GeneReviews); NCBI Bookshelf NBK1757 (cited by GeneReviews).

NM_173500.4(TTBK2):c.1329dup (p.Arg444fs)

Gene: TTBK2 (tau tubulin kinase 2; minus strand). Cytogenetic location: 15q15.2.
Variant type: Duplication.
Coding change: c.1329dup on transcript NM_173500.4 (MANE Select); coding-DNA position 1329, one base duplicated (A; older notation c.1329dupA).
Protein change: p.Arg444fs; shifts the reading frame from arginine 444.
Molecular consequence: frameshift variant.
Genome position (GRCh38, 1-based): chr15:42,777,111, T duplicated on the plus strand (A on the coding strand, the reverse complement: TTBK2 is on the minus strand). VCF-style (leftmost placement, unchanged base first): chr15-42777110-G-GT. GRCh37 (hg19) VCF-style: chr15-43069308-G-GT.
Other names: c.1329dupA (NM_173500.3); c.1329_1330insA (NM_173500.3); short protein forms R444fs.
Identifiers: ClinVar variation 847 (VCV000000847.13), dbSNP rs80356538, ClinGen allele CA339836.